The following is an entry in ClinVar:

NC_000011.9:g.(?_119077108)_(120133495_?)dup

Genes: POU2F3 (POU class 2 homeobox 3; plus strand), C1QTNF5 (C1q and TNF related 5; minus strand), CBL (Cbl proto-oncogene; plus strand), MCAM (melanoma cell adhesion molecule; minus strand), MFRP (membrane frizzled-related protein; minus strand) and 6 more. Cytogenetic location: 11q23.3.
Variant type: Duplication.
Identifiers: ClinVar variation 1015400 (VCV001015400.1).

ClinVar aggregate classification (germline): Uncertain significance (1 of 4 stars; one submission).

Conditions:
RASopathy. Also called: rasopathies; Noonan spectrum disorder. Identifiers: Orphanet 536391, MedGen C5555857, MONDO:0021060.

Submission:

Labcorp Genetics (formerly Invitae), Labcorp
Classification: Uncertain significance for RASopathy. Last evaluated: 2018-06-29. Review status: criteria provided, single submitter. Criteria: Invitae Variant Classification Sherloc (09022015). Collection method: clinical testing. Allele origin: germline.
Comment: This variant results in a copy number gain of the genomic region encompassing the full coding sequence of the CBL gene. The boundaries of this event are unknown as they extend beyond the assayed region for this gene and therefore may encompass additional genes. As the precise location of this event is unknown, it may be in tandem or it may be located elsewhere in the genome. This variant has not been reported in the literature in individuals with CBL-related disease. Experimental studies are not available for this variant, and the functional significance of a copy number gain of CBL is currently unknown. In summary, the available evidence is currently insufficient to determine the role of this variant in disease. Therefore, it has been classified as a Variant of Uncertain Significance.